The following is an entry in ClinVar:

ClinVar aggregate classification (germline): Pathogenic (1 of 4 stars; one submission).

Conditions:
Ataxia-telangiectasia syndrome (AT). Also called: LOUIS-BAR SYNDROME; Cerebello-oculocutaneous telangiectasia; Immunodeficiency with ataxia telangiectasia; Ataxia telangiectasia (A-T); Ataxia-telangiectasia, complementation group D; AT, COMPLEMENTATION GROUP C. Identifiers: Orphanet 100, MedGen C0004135, MONDO:0008840, OMIM 208900.

Submission:

Labcorp Genetics (formerly Invitae), Labcorp
Classification: Pathogenic for Ataxia-telangiectasia syndrome. Last evaluated: 2022-11-09. Review status: criteria provided, single submitter. Criteria: Invitae Variant Classification Sherloc (09022015). Collection method: clinical testing. Allele origin: germline.
Comment: This premature translational stop signal has been observed in individual(s) with breast cancer (PMID: 33128190). For these reasons, this variant has been classified as Pathogenic. This variant is not present in population databases (gnomAD no frequency). This sequence change creates a premature translational stop signal (p.Arg2034Thrfs*4) in the ATM gene. It is expected to result in an absent or disrupted protein product. Loss-of-function variants in ATM are known to be pathogenic (PMID: 23807571, 25614872).

Literature cited by the submitters: PubMed 33128190; PubMed 23807571; PubMed 25614872.

NM_000051.4(ATM):c.6099dup (p.Arg2034fs)

Genes: ATM (ATM serine/threonine kinase; plus strand), C11orf65 (chromosome 11 open reading frame 65; minus strand). Cytogenetic location: 11q22.3.
Variant type: Duplication.
Coding change: c.6099dup on transcript NM_000051.4 (MANE Select); coding-DNA position 6099, one base duplicated (A; older notation c.6099dupA).
Protein change: p.Arg2034fs; shifts the reading frame from arginine 2034.
Molecular consequence: frameshift variant. On other transcripts: intron variant (2).
Genome position (GRCh38, 1-based): chr11:108,316,014, A duplicated. VCF-style (leftmost placement, unchanged base first): chr11-108316013-T-TA. GRCh37 (hg19) VCF-style: chr11-108186740-T-TA.
Other names: c.6099dup, p.Arg2034fs (NM_001351834.2); c.641-6943dup (NM_001330368.2); c.*39-6943dup (NM_001351110.2); short protein forms R2034fs.
Identifiers: ClinVar variation 2780230 (VCV002780230.3), dbSNP rs2547093815, ClinGen allele CA2695215281.
Genomic context (GRCh38, chr11:108,316,013, plus strand): 5'-TATGAAGGAGTTATGTGTGTGTAAAACCCAAAGCTATTTTCACAATCTTTTCTTATAGAC[T>TA]ACGAACATATGAACACGAAGCAATGTGGGGCAAAGCCCTAGTAACATATGACCTCGAAAC-3'